The following is an entry in ClinVar:

ClinVar aggregate classification (germline): Uncertain significance (1 of 4 stars; one submission).

Allele frequency attached by ClinVar (database versions not stated): gnomAD 0.00001; TOPMed 0.00001.
gnomAD v4.1: 6 of 1,613,616 alleles (0.00037%); highest among the groups gnomAD compares: Admixed American, 0.0017%; no homozygotes.

Submission:

CeGaT Center for Human Genetics Tuebingen
Classification: Uncertain significance. Last evaluated: 2023-01-01. Review status: criteria provided, single submitter. Criteria: CeGaT Center For Human Genetics Tuebingen Variant Classification Criteria Version 2. Collection method: clinical testing. Allele origin: germline. Affected: yes. Observed: 1 variant allele.
Comment: TTN: PM2

NM_001267550.2(TTN):c.98933T>C (p.Val32978Ala)

Genes: TTN (titin; minus strand), TTN-AS1 (TTN antisense RNA 1; plus strand). Cytogenetic location: 2q31.2.
Variant type: single nucleotide variant.
Coding change: c.98933T>C on transcript NM_001267550.2 (MANE Select); coding-DNA position 98933, T replaced by C.
Protein change: p.Val32978Ala; replaces valine 32978 with alanine.
Molecular consequence: missense variant. On other transcripts: non-coding transcript variant (1).
Genome position (GRCh38, 1-based): chr2:178,539,002, A>G on the plus strand (T>C on the coding strand, the complement: TTN is on the minus strand). VCF-style: chr2-178539002-A-G. GRCh37 (hg19) VCF-style: chr2-179403729-A-G.
Other names: c.94010T>C, p.Val31337Ala (NM_001256850.1); c.71738T>C, p.Val23913Ala (NM_003319.4); c.91229T>C, p.Val30410Ala (NM_133378.4); c.72113T>C, p.Val24038Ala (NM_133432.3); c.72314T>C, p.Val24105Ala (NM_133437.4); short protein forms V23913A, V24038A, V24105A, V30410A, V31337A, V32978A.
Identifiers: ClinVar variation 2651582 (VCV002651582.24), dbSNP rs1190695147, ClinGen allele CA349431330.